The following is an entry in ClinVar:

NM_013275.6(ANKRD11):c.6198C>A (p.Phe2066Leu)

Gene: ANKRD11 (ankyrin repeat domain containing 11; minus strand). Cytogenetic location: 16q24.3.
Variant type: single nucleotide variant.
Coding change: c.6198C>A on transcript NM_013275.6 (MANE Select); coding-DNA position 6198, C replaced by A.
Protein change: p.Phe2066Leu; replaces phenylalanine 2066 with leucine.
Molecular consequence: missense variant.
Genome position (GRCh38, 1-based): chr16:89,280,344, G>T on the plus strand (C>A on the coding strand, the complement: ANKRD11 is on the minus strand). VCF-style: chr16-89280344-G-T. GRCh37 (hg19) VCF-style: chr16-89346752-G-T.
Other names: c.6198C>A, p.Phe2066Leu (NM_001256182.2, NM_001256183.2); short protein forms F2066L.
Identifiers: ClinVar variation 3371455 (VCV003371455.1).
Genomic context (GRCh38, chr16:89,280,344, plus strand): 5'-TACACAGGCGGGCTCGGGGGCCACGTCCAGCGGGGCTTCCGGAAGTGACTTGCAGTTGCT[G>T]AAGAAGGACTCCAGCCCGGAGGGAGGGGCGTAGGGAGCCGCCTCTGAGGTGGAGATGGCG-3'
Protein context (NP_037407.4, residues 2056-2076): YAPPSGLESF[Phe2066Leu]SNCKSLPEAP

ClinVar aggregate classification (germline): Uncertain significance (1 of 4 stars; one submission).

Submission:

GeneDx
Classification: Uncertain significance. Last evaluated: 2024-03-25. Review status: criteria provided, single submitter. Criteria: GeneDx Variant Classification Process June 2021. Collection method: clinical testing. Allele origin: germline. Affected: yes.
Comment: Not observed at significant frequency in large population cohorts (gnomAD); In silico analysis supports that this missense variant does not alter protein structure/function; Has not been previously published as pathogenic or benign to our knowledge